The following is an entry in ClinVar:

NM_017567.6(NAGK):c.969C>T (p.Ile323=)

Gene: NAGK (N-acetylglucosamine kinase; plus strand). Cytogenetic location: 2p13.3.
Variant type: single nucleotide variant.
Coding change: c.969C>T on transcript NM_017567.6 (MANE Select); coding-DNA position 969, C replaced by T.
Protein change: p.Ile323=; no amino-acid change (isoleucine 323 retained).
Molecular consequence: synonymous variant.
Genome position (GRCh38, 1-based): chr2:71,078,442, C>T. VCF-style: chr2-71078442-C-T. GRCh37 (hg19) VCF-style: chr2-71305572-C-T.
Other names: c.816C>T, p.Ile272= (NM_001330425.3, NM_001330426.2, NM_001365466.2).
Identifiers: ClinVar variation 2651021 (VCV002651021.24), dbSNP rs374414236, ClinGen allele CA1702536.
Genomic context (GRCh38, chr2:71,078,442, plus strand): 5'-CCTGATGAAGCTGAGGCACTCCTCCGCTCTGGGTGGGGCCAGCCTAGGGGCCAGGCACAT[C>T]GGGCACCTCCTCCCCATGGACTATAGCGCCAATGCCATTGCCTTCTATTCCTACACCTTT-3'
Protein context (NP_060037.4, residues 313-333): LGGASLGARH[Ile323=]GHLLPMDYSA

ClinVar aggregate classification (germline): Likely benign (1 of 4 stars; one submission).

Allele frequency attached by ClinVar (database versions not stated): gnomAD 0.00001; gnomAD exomes 0.00001; TOPMed 0.00002; ExAC 0.00004; ESP Exome Variant Server 0.00008.

Submission:

CeGaT Center for Human Genetics Tuebingen
Classification: Likely benign. Last evaluated: 2022-11-01. Review status: criteria provided, single submitter. Criteria: CeGaT Center For Human Genetics Tuebingen Variant Classification Criteria Version 2. Collection method: clinical testing. Allele origin: germline. Affected: yes. Observed: 1 variant allele.
Comment: NAGK: BP4, BP7